The following is an entry in ClinVar:

ClinVar aggregate classification (germline): Uncertain significance. Review status: criteria provided, multiple submitters, no conflicts (2 of 4 stars). 2 submissions from 2 submitters: Uncertain significance (2). Last evaluated 2023-08-15.

Conditions:
Central core myopathy (CMYO1A). Also called: CONGENITAL MYOPATHY 1A, AUTOSOMAL DOMINANT, WITH SUSCEPTIBILITY TO MALIGNANT HYPERTHERMIA; Central core disease; Myopathy, central fibrillar. Identifiers: Orphanet 597, MedGen C5830701, MONDO:0007294, OMIM 117000.
Malignant hyperthermia, susceptibility to, 1 (MHS1). Also called: RYR1-Related Malignant Hyperthermia Susceptibility; Anesthesia related hyperthermia; Malignant hyperpyrexia; Fulminating hyperpyrexia; Pharmacogenic myopathy; Malignant hyperthermia suceptibility 1. Identifiers: Orphanet 423, MedGen C2930980, MONDO:0007783, OMIM 145600.
Congenital multicore myopathy with external ophthalmoplegia (CMYO1B). Also called: Congenital myopathy 1B, autosomal recessive; Minicore myopathy; MULTICORE MYOPATHY; Minicore myopathy with external ophthalmoplegia; MULTIMINICORE DISEASE WITH EXTERNAL OPHTHALMOPLEGIA. Identifiers: Orphanet 598, Orphanet 98905, MedGen C1850674, MONDO:0009712, OMIM 255320, HP:0003789.
King Denborough syndrome (KDS). Identifiers: MedGen C1840365, MONDO:0020485, OMIM 619542.

Allele frequency attached by ClinVar (database versions not stated): ExAC 0.00004.
gnomAD v4.1: 11 of 1,611,772 alleles (0.00068%); highest among the groups gnomAD compares: East Asian, 0.0045%; no homozygotes.

Submissions (2):

All of Us Research Program, National Institutes of Health
Classification: Uncertain significance for Malignant hyperthermia, susceptibility to, 1. Last evaluated: 2023-08-15. Review status: criteria provided, single submitter. Criteria: ACMG Guidelines, 2015. Collection method: clinical testing. Allele origin: germline. Inheritance: Autosomal dominant inheritance. Observed: 1 variant allele, 1 heterozygote.
Comment: This study involves interpretation of variants in research participants for the purpose of population health screening. Participant phenotype was not available at the time of variant classification. Additional details can be found in publication PMID: 35346344, PMCID: PMC8962531

Juno Genomics, Hangzhou Juno Genomics, Inc
Classification: Uncertain significance for Malignant hyperthermia, susceptibility to, 1; Central core myopathy; Congenital multicore myopathy with external ophthalmoplegia; King Denborough syndrome. Review status: criteria provided, single submitter. Criteria: ACMG Guidelines, 2015. Collection method: clinical testing. Allele origin: germline.
Comment: Multiple lines of computational evidence support a deleterious effect on the gene or gene product.

NM_000540.3(RYR1):c.7769C>T (p.Ser2590Phe)

Gene: RYR1 (ryanodine receptor 1; plus strand). Cytogenetic location: 19q13.2.
Variant type: single nucleotide variant.
Coding change: c.7769C>T on transcript NM_000540.3 (MANE Select); coding-DNA position 7769, C replaced by T.
Protein change: p.Ser2590Phe; replaces serine 2590 with phenylalanine.
Molecular consequence: missense variant.
Genome position (GRCh38, 1-based): chr19:38,502,661, C>T. VCF-style: chr19-38502661-C-T. GRCh37 (hg19) VCF-style: chr19-38993301-C-T.
Other names: c.7769C>T, p.Ser2590Phe (NM_001042723.2); short protein forms S2590F.
Identifiers: ClinVar variation 3072629 (VCV003072629.3), dbSNP rs752430492, ClinGen allele CA070200.